The following is an entry in ClinVar:

ClinVar aggregate classification (germline): Uncertain significance (1 of 4 stars; one submission).

Allele frequency attached by ClinVar (database versions not stated): TOPMed below 0.00001; gnomAD 0.00001; gnomAD exomes 0.00001; ExAC 0.00002.
gnomAD v4.1: 23 of 1,612,858 alleles (0.0014%); highest among the groups gnomAD compares: Non-Finnish European, 0.0018%; no homozygotes.

Submission:

GeneDx
Classification: Uncertain significance. Last evaluated: 2023-12-04. Review status: criteria provided, single submitter. Criteria: GeneDx Variant Classification Process June 2021. Collection method: clinical testing. Allele origin: germline. Affected: yes.
Comment: Not observed at significant frequency in large population cohorts (gnomAD); In silico analysis supports that this missense variant does not alter protein structure/function; Has not been previously published as pathogenic or benign to our knowledge

NM_020442.6(VARS2):c.8A>G (p.His3Arg)

Gene: VARS2 (valyl-tRNA synthetase 2, mitochondrial; plus strand). Cytogenetic location: 6p21.33.
Variant type: single nucleotide variant.
Coding change: c.8A>G on transcript NM_020442.6 (MANE Select); coding-DNA position 8, A replaced by G.
Protein change: p.His3Arg; replaces histidine 3 with arginine.
Molecular consequence: missense variant. On other transcripts: intron variant (1).
Genome position (GRCh38, 1-based): chr6:30,914,844, A>G. VCF-style: chr6-30914844-A-G. GRCh37 (hg19) VCF-style: chr6-30882621-A-G.
Other names: c.98A>G, p.His33Arg (NM_001167734.2); c.-219-312A>G (NM_001167733.3); short protein forms H33R, H3R.
Identifiers: ClinVar variation 3252226 (VCV003252226.1), dbSNP rs759755339.